The following is an entry in ClinVar:

ClinVar aggregate classification (germline): Pathogenic (1 of 4 stars; one submission).

Submission:

Labcorp Genetics (formerly Invitae), Labcorp
Classification: Pathogenic. Last evaluated: 2022-08-24. Review status: criteria provided, single submitter. Criteria: Invitae Variant Classification Sherloc (09022015). Collection method: clinical testing. Allele origin: germline.
Comment: For these reasons, this variant has been classified as Pathogenic. This sequence change creates a premature translational stop signal (p.Gly930Argfs*14) in the COL2A1 gene. It is expected to result in an absent or disrupted protein product. Loss-of-function variants in COL2A1 are known to be pathogenic (PMID: 20179744). This variant is not present in population databases (gnomAD no frequency). This variant has not been reported in the literature in individuals affected with COL2A1-related conditions.

Literature cited by the submitters: PubMed 20179744.

NM_001844.5(COL2A1):c.2787dup (p.Gly930fs)

Gene: COL2A1 (collagen type II alpha 1 chain; minus strand). Cytogenetic location: 12q13.11.
Variant type: Duplication.
Coding change: c.2787dup on transcript NM_001844.5 (MANE Select); coding-DNA position 2787, one base duplicated (A; older notation c.2787dupA).
Protein change: p.Gly930fs; shifts the reading frame from glycine 930.
Molecular consequence: frameshift variant.
Genome position (GRCh38, 1-based): chr12:47,978,705, T duplicated on the plus strand (A on the coding strand, the reverse complement: COL2A1 is on the minus strand); the first of 3 consecutive T bases (chr12:47,978,705-47,978,707); duplicating any one gives the same sequence. VCF-style (leftmost placement, unchanged base first): chr12-47978704-C-CT. GRCh37 (hg19) VCF-style: chr12-48372487-C-CT.
Other names: c.2580dup, p.Gly861fs (NM_033150.3); short protein forms G861fs, G930fs.
Identifiers: ClinVar variation 2026912 (VCV002026912.4), dbSNP rs2540113591, ClinGen allele CA2580085535.